The following is an entry in ClinVar:

ClinVar aggregate classification (germline): Likely pathogenic (1 of 4 stars; one submission).

Conditions:
Autosomal recessive polycystic kidney disease (ARPKD). Also called: AR polycystic kidney disease. Identifiers: Orphanet 731, Orphanet 8378, MedGen C0085548, MeSH D017044, MONDO:0009889.

Submission:

Women's Health and Genetics/Laboratory Corporation of America, LabCorp
Classification: Likely pathogenic for Autosomal recessive polycystic kidney disease. Last evaluated: 2019-02-01. Review status: criteria provided, single submitter. Criteria: LabCorp Variant Classification Summary - May 2015. Collection method: clinical testing. Allele origin: germline.
Comment: Variant summary: PKHD1 c.5776delC (p.Arg1926GlyfsX48) results in a premature termination codon, predicted to cause a truncation of the encoded protein or absence of the protein due to nonsense mediated decay, which are commonly known mechanisms for disease. Truncations downstream of this position have been classified as pathogenic by our laboratory (eg. c.5895dupA, p.Leu1966fsX4; c.9319C>T, p.Arg3107X; c.9689delA, p.Asp3230fsX34). The variant was absent in 276450 control chromosomes (gnomAD). To our knowledge, no occurrence of c.5776delC in individuals affected with Polycystic Kidney and Hepatic Disease and no experimental evidence demonstrating its impact on protein function have been reported. No clinical diagnostic laboratories have submitted clinical-significance assessments for this variant to ClinVar after 2014. Based on the evidence outlined above, the variant was classified as likely pathogenic.

NM_138694.4(PKHD1):c.5776del (p.Arg1926fs)

Gene: PKHD1 (PKHD1 ciliary IPT domain containing fibrocystin/polyductin; minus strand). Cytogenetic location: 6p12.2.
Variant type: Deletion.
Coding change: c.5776del on transcript NM_138694.4 (MANE Select); coding-DNA position 5776, one base deleted (C; older notation c.5776delC).
Protein change: p.Arg1926fs; shifts the reading frame from arginine 1926.
Molecular consequence: frameshift variant.
Genome position (GRCh38, 1-based): chr6:51,960,002, G deleted on the plus strand (C on the coding strand, the reverse complement: PKHD1 is on the minus strand); the first of 2 consecutive G bases (chr6:51,960,002-51,960,003); deleting either gives the same sequence. VCF-style (leftmost placement, unchanged base first): chr6-51960001-CG-C. GRCh37 (hg19) VCF-style: chr6-51824799-CG-C.
Other names: c.5776del, p.Arg1926fs (NM_170724.3); short protein forms R1926fs.
Identifiers: ClinVar variation 928780 (VCV000928780.1), dbSNP rs1791763088, ClinGen allele CA1139659624.